The following is an entry in ClinVar:

ClinVar aggregate classification (germline): Pathogenic. Review status: criteria provided, multiple submitters, no conflicts (2 of 4 stars). 6 submissions from 6 submitters: Pathogenic (6). Last evaluated 2026-07-20.

Conditions:
AURKC-related disorder. Also called: AURKC-related condition.
Male infertility with spermatogenesis disorder. Identifiers: Orphanet 399775, MedGen C5681167, MONDO:0018391.
Infertility associated with multi-tailed spermatozoa and excessive DNA (SPGF5). Also called: Male Infertility with Large-Headed, Multiflagellar, Polyploid Spermatozoa; spermatogenic failure 5. Identifiers: Orphanet 137893, MedGen C0403812, MONDO:0009461, OMIM 243060.

Allele frequency attached by ClinVar (database versions not stated): 1000 Genomes Project 30x 0.00031; ESP Exome Variant Server 0.00038; 1000 Genomes Project 0.00040; gnomAD exomes 0.00040 and 0.00069; ExAC 0.00043; TOPMed 0.00043.

Submissions (6):

PreventionGenetics, part of Exact Sciences
Classification: Pathogenic for AURKC-related condition. Last evaluated: 2026-07-20. Review status: criteria provided, single submitter. Criteria: ACMG Guidelines, 2015. Collection method: clinical testing. Allele origin: germline.
Comment: The AURKC c.744C>G variant is predicted to result in premature protein termination (p.Tyr248*). This variant is one of the most common pathogenic variants in men with macrozoospermia. It has been reported in the homozygous and compound heterozygous state in multiple individuals and segregated with disease in at least two families (Ben Khelifa et al. 2012. PubMed ID: 22888167; Greenman et al. 2007. PubMed ID: 17344846; Reuter et al. 2018. PubMed ID: 29431110; Qunis et al. 2015. PubMed ID: 25219909; Ghedir et al. 2015. PubMed ID: 26341096; Chianese et al. 2015. PubMed ID: 25755131; Ortega et al. 2019. PubMed ID: 31455599). Functional studies of this variant showed no detectable transcript likely due to nonsense mediated decay (NMD) and cause meiotic failure and polyploidy (Ben Khelifa et al. 2012. PubMed ID: 22888167; Fellmeth JE et al. 2016. PubMed ID: 27106102). In summary, this variant is interpreted as pathogenic.

Dasa
Classification: Pathogenic. Last evaluated: 2026-03-13. Review status: criteria provided, single submitter. Criteria: DASA Assertion Criteria. Collection method: clinical testing. Allele origin: germline.
Comment: NM_001015878.2(AURKC):c.744C>G (p.Tyr248*) introduces a premature termination codon predicted to result in loss of normal protein function. Loss-of-function is an established mechanism of disease for this gene. This variant has been recurrently observed in individuals with related phenotype (PMID: 22888167; PMID: 25219909; PMID: 26341096; PMID: 25755131; PMID: 31455599). Segregation evidence has been reported in affected families. The variant is present at low frequency in population datasets. Based on the available data, this variant is classified as pathogenic.

Department of Pathology and Laboratory Medicine, Sinai Health System
Classification: Pathogenic for spermatogenic failure 5. Last evaluated: 2023-08-21. Review status: criteria provided, single submitter. Criteria: ACMG Guidelines, 2015. Collection method: research. Allele origin: germline.

Fulgent Genetics
Classification: Pathogenic for Infertility associated with multi-tailed spermatozoa and excessive DNA. Last evaluated: 2022-03-03. Review status: criteria provided, single submitter. Criteria: ACMG Guidelines, 2015. Collection method: clinical testing. Allele origin: unknown.

Laboratory for Molecular Medicine, Mass General Brigham Personalized Medicine
Classification: Pathogenic for Male infertility with spermatogenesis disorder. Last evaluated: 2020-06-19. Review status: criteria provided, single submitter. Criteria: LMM Criteria. Collection method: clinical testing. Allele origin: germline. Inheritance: Autosomal recessive inheritance. Observed: 1 variant allele.
Comment: The p.Tyr248X variant in AURKC has been reported in at least 12 homozygous and 2 compound heterozygous individuals with macroazoospermia and segregated with disease in 2 affected individuals from 2 families (Khelifa 2012 PMID: 22888167, Ounis 2015 PMID: 25219909, Ghedir 2015 PMID: 26341096, Chianese 2015 PMID:25755131, Ortega 2019 PMID: 31455599). It has also been identified in 0.067% (87/129170) of European chromosomes by gnomAD. This nonsense variant leads to a premature termination codon at position 248. Although this alteration occurs within the terminal 50 bases of the second to last exon, transcript studies from affected individuals suggest that nonsense mediated decay (NMD) likely occurs (Khelifa 2012 PMID: 22888167, Fellmeth 2016 PMID: 27106102). In summary, this variant meets criteria to be classified as pathogenic for autosomal recessive macroazoospermia. ACMG/AMP Criteria applied: PVS1_Strong, PM3_VeryStrong, PP1.

Equipe Genetique des Anomalies du Developpement, Université de Bourgogne
Classification: Pathogenic for Infertility associated with multi-tailed spermatozoa and excessive DNA. Review status: criteria provided, single submitter. Criteria: ACMG Guidelines, 2015. Collection method: clinical testing. Allele origin: unknown. Affected: yes.

Literature cited by the submitters: PubMed 22888167 (cited by Dasa and Laboratory for Molecular Medicine, Mass General Brigham Personalized Medicine); PubMed 25219909 (cited by Dasa and Laboratory for Molecular Medicine, Mass General Brigham Personalized Medicine); PubMed 26341096 (cited by Dasa and Laboratory for Molecular Medicine, Mass General Brigham Personalized Medicine); PubMed 25755131 (cited by Dasa and Laboratory for Molecular Medicine, Mass General Brigham Personalized Medicine); PubMed 31455599 (cited by Dasa and Laboratory for Molecular Medicine, Mass General Brigham Personalized Medicine); PubMed 27106102 (cited by Laboratory for Molecular Medicine, Mass General Brigham Personalized Medicine).

NM_001015878.2(AURKC):c.744C>G (p.Tyr248Ter)

Gene: AURKC (aurora kinase C; plus strand). Cytogenetic location: 19q13.43.
Variant type: single nucleotide variant.
Coding change: c.744C>G on transcript NM_001015878.2 (MANE Select); coding-DNA position 744, C replaced by G.
Protein change: p.Tyr248Ter; replaces tyrosine 248 with a stop codon.
Molecular consequence: nonsense.
Genome position (GRCh38, 1-based): chr19:57,235,043, C>G. VCF-style: chr19-57235043-C-G. GRCh37 (hg19) VCF-style: chr19-57746411-C-G.
Other names: c.687C>G, p.Tyr229Ter (NM_001015879.2); c.642C>G, p.Tyr214Ter (NM_003160.3); short protein forms Y214*, Y229*, Y248*.
Identifiers: ClinVar variation 1028940 (VCV001028940.10), dbSNP rs55658999, ClinGen allele CA9696044.
Genomic context (GRCh38, chr19:57,235,043, plus strand): 5'-CTGCTATGAGCTGCTGGTGGGATATCCACCCTTTGAGAGCGCCTCCCACAGTGAGACTTA[C>G]AGACGCATCCTCAAGGTGGGACAGTCACCTTTGGGCATTCATGGGGGAGCTGGTCAGTGA-3'